The following is an entry in ClinVar:

NM_001005361.3(DNM2):c.1141G>A (p.Glu381Lys)

Gene: DNM2 (dynamin 2; plus strand). Cytogenetic location: 19p13.2.
Variant type: single nucleotide variant.
Coding change: c.1141G>A on transcript NM_001005361.3 (MANE Select); coding-DNA position 1141, G replaced by A.
Protein change: p.Glu381Lys; replaces glutamic acid 381 with lysine.
Molecular consequence: missense variant.
Genome position (GRCh38, 1-based): chr19:10,795,384, G>A. VCF-style: chr19-10795384-G-A. GRCh37 (hg19) VCF-style: chr19-10906060-G-A.
Other names: c.1141G>A, p.Glu381Lys (NM_001005360.3, NM_001005362.3, NM_001190716.2 and 1 more transcripts); short protein forms E381K.
Identifiers: ClinVar variation 935485 (VCV000935485.10), dbSNP rs2071896749, ClinGen allele CA404048308.
Genomic context (GRCh38, chr19:10,795,384, plus strand): 5'-GGGCGCCCCGGGTGCCTCCATGCATGTGCTTGGTTTGTCTCTTCTCAGATGGAGTTTGAC[G>A]AGAAGGACTTACGACGGGAGATCAGCTATGCCATTAAGAACATCCATGGAGTCAGGCAAG-3'
Protein context (NP_001005361.1, residues 371-391): PFELVKMEFD[Glu381Lys]KDLRREISYA

ClinVar aggregate classification (germline): Uncertain significance (1 of 4 stars; one submission).

Conditions:
Charcot-Marie-Tooth disease dominant intermediate B (CMTDIB). Also called: Charcot-Marie-Tooth disease dominant intermediate 1; CMT DI1; Charcot-Marie-Tooth disease dominant intermediate I; CHARCOT-MARIE-TOOTH NEUROPATHY, DOMINANT INTERMEDIATE B. Identifiers: Orphanet 100044, Orphanet 228179, MedGen C1847902, MONDO:0011674, OMIM 606482.

Allele frequency attached by ClinVar (database versions not stated): gnomAD exomes below 0.00001.
gnomAD v4.1: 1 of 1,614,166 alleles (0.000062%); no homozygotes.

Submission:

Labcorp Genetics (formerly Invitae), Labcorp
Classification: Uncertain significance for Charcot-Marie-Tooth disease dominant intermediate B. Last evaluated: 2023-08-10. Review status: criteria provided, single submitter. Criteria: Invitae Variant Classification Sherloc (09022015). Collection method: clinical testing. Allele origin: germline.
Comment: Advanced modeling of protein sequence and biophysical properties (such as structural, functional, and spatial information, amino acid conservation, physicochemical variation, residue mobility, and thermodynamic stability) has been performed at Invitae for this missense variant, however the output from this modeling did not meet the statistical confidence thresholds required to predict the impact of this variant on DNM2 protein function. ClinVar contains an entry for this variant (Variation ID: 935485). This missense change has been observed in individual(s) with clinical features of DNM2-related conditions (Invitae). This variant is not present in population databases (gnomAD no frequency). This sequence change replaces glutamic acid, which is acidic and polar, with lysine, which is basic and polar, at codon 381 of the DNM2 protein (p.Glu381Lys). In summary, the available evidence is currently insufficient to determine the role of this variant in disease. Therefore, it has been classified as a Variant of Uncertain Significance.